The following is an entry in ClinVar:

NM_000263.4(NAGLU):c.2092G>A (p.Asp698Asn)

Gene: NAGLU (N-acetyl-alpha-glucosaminidase; plus strand). Cytogenetic location: 17q21.2.
Variant type: single nucleotide variant.
Coding change: c.2092G>A on transcript NM_000263.4 (MANE Select); coding-DNA position 2092, G replaced by A.
Protein change: p.Asp698Asn; replaces aspartic acid 698 with asparagine.
Molecular consequence: missense variant.
Genome position (GRCh38, 1-based): chr17:42,544,098, G>A. VCF-style: chr17-42544098-G-A. GRCh37 (hg19) VCF-style: chr17-40696116-G-A.
Other names: c.2092G>A (NM_000263.3); short protein forms D698N.
Identifiers: ClinVar variation 1520876 (VCV001520876.5), dbSNP rs897126193, ClinGen allele CA290781219.

ClinVar aggregate classification (germline): Uncertain significance. Review status: criteria provided, multiple submitters, no conflicts (2 of 4 stars). 3 submissions from 3 submitters: Uncertain significance (3). Last evaluated 2026-02-16.

Conditions:
Mucopolysaccharidosis, MPS-III-B (MPS3B). Also called: N-ACETYL-ALPHA-D-GLUCOSAMINIDASE DEFICIENCY; NAGLU DEFICIENCY; SANFILIPPO SYNDROME B; MPS III B; MPS IIIB (Sanfilippo Syndrome Type B); MUCOPOLYSACCHARIDOSIS, TYPE IIIB. Identifiers: Orphanet 79270, MedGen C0086648, MONDO:0009656, OMIM 252920.
Charcot-Marie-Tooth disease axonal type 2V. Also called: CHARCOT-MARIE-TOOTH NEUROPATHY, TYPE 2V; CHARCOT-MARIE-TOOTH DISEASE, AXONAL, AUTOSOMAL DOMINANT, TYPE 2V. Identifiers: Orphanet 447964, MedGen C5569050, MONDO:0014665, OMIM 616491.
Inborn genetic diseases. Identifiers: MedGen C0950123, MeSH D030342.

Allele frequency attached by ClinVar (database versions not stated): TOPMed 0.00002.

Submissions (3):

Women's Health and Genetics/Laboratory Corporation of America, LabCorp
Classification: Uncertain significance. Last evaluated: 2026-02-16. Review status: criteria provided, single submitter. Criteria: LabCorp Variant Classification Summary - May 2015. Collection method: clinical testing. Allele origin: germline.
Comment: Variant summary: NAGLU c.2092G>A (p.Asp698Asn) results in a conservative amino acid change in the encoded protein sequence. Algorithms developed to predict the effect of missense changes on protein structure and function are either unavailable or do not agree on the potential impact of this missense change. The variant was absent in 251256 control chromosomes. The available data on variant occurrences in the general population are insufficient to allow any conclusion about variant significance. To our knowledge, no occurrence of c.2092G>A in individuals affected with NAGLU-related conditions and no experimental evidence demonstrating its impact on protein function have been reported. ClinVar contains an entry for this variant (Variation ID: 1520876). Based on the evidence outlined above, the variant was classified as uncertain significance.

Ambry Genetics
Classification: Uncertain significance for Inborn genetic diseases. Last evaluated: 2025-04-08. Review status: criteria provided, single submitter. Criteria: Ambry Variant Classification Scheme 2023. Collection method: clinical testing. Allele origin: germline.

Labcorp Genetics (formerly Invitae), Labcorp
Classification: Uncertain significance for Charcot-Marie-Tooth disease axonal type 2V; Mucopolysaccharidosis, MPS-III-B. Last evaluated: 2022-05-26. Review status: criteria provided, single submitter. Criteria: Invitae Variant Classification Sherloc (09022015). Collection method: clinical testing. Allele origin: germline.
Comment: This sequence change replaces aspartic acid, which is acidic and polar, with asparagine, which is neutral and polar, at codon 698 of the NAGLU protein (p.Asp698Asn). This variant is not present in population databases (gnomAD no frequency). This variant has not been reported in the literature in individuals affected with NAGLU-related conditions. Advanced modeling of protein sequence and biophysical properties (such as structural, functional, and spatial information, amino acid conservation, physicochemical variation, residue mobility, and thermodynamic stability) performed at Invitae indicates that this missense variant is not expected to disrupt NAGLU protein function. In summary, the available evidence is currently insufficient to determine the role of this variant in disease. Therefore, it has been classified as a Variant of Uncertain Significance.